The following is an entry in ClinVar:

ClinVar aggregate classification (germline): Likely pathogenic. Review status: criteria provided, multiple submitters, no conflicts (2 of 4 stars). 2 submissions from 2 submitters: Likely pathogenic (2). Last evaluated 2025-11-15.

Conditions:
Retinitis pigmentosa 25 (RP25). Identifiers: Orphanet 791, MedGen C1864446, MONDO:0011272, OMIM 602772.

Submissions (2):

Natera, Inc.
Classification: Likely pathogenic for Retinitis pigmentosa type 25. Last evaluated: 2025-11-15. Review status: criteria provided, single submitter. Criteria: Natera Variant Classification Schema (03/2026). Collection method: clinical testing. Allele origin: germline.
Comment: The c.8072-1G>A variant in EYS is a canonical splice acceptor site variant predicted to affect pre-mRNA splicing, which may result in an abnormal transcript and altered protein product. This variant is expected to result in nonsense mediated decay, truncation, or a dysfunctional protein product. This variant is rare in the general population with a frequency below the threshold expected for the associated phenotype(s). Given the available evidence, this variant is classified as Likely Pathogenic.

SingHealth Duke-NUS Institute of Precision Medicine
Classification: Likely pathogenic for Retinitis pigmentosa 25. Last evaluated: 2025-02-05. Review status: criteria provided, single submitter. Criteria: PRISM ACMG Classification Criteria. Collection method: clinical testing. Allele origin: germline. Affected: yes.
Comment: Cryptic splice variant is predicted to cause LOF in a gene where LOF is a known cause of pathogenicity (PVS1). Variant is not found in gnomAD exomes or genomes (PM2)

NM_001142800.2(EYS):c.8072-1G>A

Gene: EYS (EGF-like photoreceptor maintenance factor; minus strand). Cytogenetic location: 6q12.
Variant type: single nucleotide variant.
Coding change: c.8072-1G>A on transcript NM_001142800.2 (MANE Select); the canonical splice acceptor site of the intron before coding-DNA position 8072, G replaced by A.
Molecular consequence: splice acceptor variant.
Genome position (GRCh38, 1-based): chr6:63,726,681, C>T on the plus strand (G>A on the coding strand, the complement: EYS is on the minus strand). VCF-style: chr6-63726681-C-T. GRCh37 (hg19) VCF-style: chr6-64436574-C-T.
Other names: c.8135-1G>A (NM_001292009.2); c.8072-1G>A (NM_001142800.1).
Identifiers: ClinVar variation 3767378 (VCV003767378.2).